The following is an entry in ClinVar:

ClinVar aggregate classification (germline): Uncertain significance. Review status: criteria provided, multiple submitters, no conflicts (2 of 4 stars). 2 submissions from 2 submitters: Uncertain significance (2). Last evaluated 2024-04-16.

Conditions:
Gorlin syndrome. Also called: Basal cell nevus syndrome; Nevoid Basal Cell Carcinoma Syndrome. Identifiers: Orphanet 377, MedGen C0004779, MONDO:0007187.

gnomAD v4.1: 15 of 1,614,164 alleles (0.00093%); highest among the groups gnomAD compares: Non-Finnish European, 0.0013%; no homozygotes.

Submissions (2):

Labcorp Genetics (formerly Invitae), Labcorp
Classification: Uncertain significance for Gorlin syndrome. Last evaluated: 2024-04-16. Review status: criteria provided, single submitter. Criteria: Invitae Variant Classification Sherloc (09022015). Collection method: clinical testing. Allele origin: germline.
Comment: This sequence change replaces arginine, which is basic and polar, with leucine, which is neutral and non-polar, at codon 811 of the PTCH2 protein (p.Arg811Leu). This variant is present in population databases (rs112613379, gnomAD 0.0009%). This variant has not been reported in the literature in individuals affected with PTCH2-related conditions. ClinVar contains an entry for this variant (Variation ID: 645179). Advanced modeling of protein sequence and biophysical properties (such as structural, functional, and spatial information, amino acid conservation, physicochemical variation, residue mobility, and thermodynamic stability) performed at Invitae indicates that this missense variant is not expected to disrupt PTCH2 protein function with a negative predictive value of 80%. In summary, the available evidence is currently insufficient to determine the role of this variant in disease. Therefore, it has been classified as a Variant of Uncertain Significance.

Ambry Genetics
Classification: Uncertain significance. Last evaluated: 2023-11-07. Review status: criteria provided, single submitter. Criteria: Ambry Variant Classification Scheme 2023. Collection method: clinical testing. Allele origin: germline.

NM_003738.5(PTCH2):c.2432G>T (p.Arg811Leu)

Gene: PTCH2 (patched 2; minus strand). Cytogenetic location: 1p34.1.
Variant type: single nucleotide variant.
Coding change: c.2432G>T on transcript NM_003738.5 (MANE Select); coding-DNA position 2432, G replaced by T.
Protein change: p.Arg811Leu; replaces arginine 811 with leucine.
Molecular consequence: missense variant.
Genome position (GRCh38, 1-based): chr1:44,827,249, C>A on the plus strand (G>T on the coding strand, the complement: PTCH2 is on the minus strand). VCF-style: chr1-44827249-C-A. GRCh37 (hg19) VCF-style: chr1-45292921-C-A.
Other names: c.2432G>T, p.Arg811Leu (NM_001166292.2); short protein forms R811L.
Identifiers: ClinVar variation 645179 (VCV000645179.10), dbSNP rs112613379, ClinGen allele CA21744232.